The following is an entry in ClinVar:

NM_002875.5(RAD51):c.104C>A (p.Ala35Asp)

Gene: RAD51 (RAD51 recombinase; plus strand). Cytogenetic location: 15q15.1.
Variant type: single nucleotide variant.
Coding change: c.104C>A on transcript NM_002875.5 (MANE Select); coding-DNA position 104, C replaced by A.
Protein change: p.Ala35Asp; replaces alanine 35 with aspartic acid.
Molecular consequence: missense variant.
Genome position (GRCh38, 1-based): chr15:40,701,080, C>A. VCF-style: chr15-40701080-C-A. GRCh37 (hg19) VCF-style: chr15-40993278-C-A.
Other names: c.104C>A, p.Ala35Asp (NM_001164269.2, NM_001164270.2, NM_133487.4); short protein forms A35D.
Identifiers: ClinVar variation 1776537 (VCV001776537.3), dbSNP rs377571591, ClinGen allele CA268838901.

ClinVar aggregate classification (germline): Uncertain significance (1 of 4 stars; one submission).

Conditions:
Inborn genetic diseases. Identifiers: MedGen C0950123, MeSH D030342.

Allele frequency attached by ClinVar (database versions not stated): gnomAD 0.00001; TOPMed 0.00004; ESP Exome Variant Server 0.00008.

Submission:

Ambry Genetics
Classification: Uncertain significance for Inborn genetic diseases. Last evaluated: 2024-10-15. Review status: criteria provided, single submitter. Criteria: Ambry Variant Classification Scheme 2023. Collection method: clinical testing. Allele origin: germline.
Comment: The p.A35D variant (also known as c.104C>A), located in coding exon 2 of the RAD51 gene, results from a C to A substitution at nucleotide position 104. The alanine at codon 35 is replaced by aspartic acid, an amino acid with dissimilar properties. This amino acid position is conserved. In addition, the in silico prediction for this alteration is inconclusive. Since supporting evidence is limited at this time, the clinical significance of this alteration remains unclear.